The following is an entry in ClinVar:

NM_000493.4(COL10A1):c.2021G>A (p.Gly674Glu)

Genes: COL10A1 (collagen type X alpha 1 chain; minus strand), NT5DC1 (5'-nucleotidase domain containing 1; plus strand). Cytogenetic location: 6q22.1.
Variant type: single nucleotide variant.
Coding change: c.2021G>A on transcript NM_000493.4 (MANE Select); coding-DNA position 2021, G replaced by A.
Protein change: p.Gly674Glu; replaces glycine 674 with glutamic acid.
Molecular consequence: missense variant. On other transcripts: intron variant (1).
Genome position (GRCh38, 1-based): chr6:116,120,095, C>T on the plus strand (G>A on the coding strand, the complement: COL10A1 is on the minus strand). VCF-style: chr6-116120095-C-T. GRCh37 (hg19) VCF-style: chr6-116441258-C-T.
Other names: c.2021G>A, p.Gly674Glu (NM_001424106.1, NM_001424107.1); c.529+2150C>T (NM_152729.3); short protein forms G674E.
Identifiers: ClinVar variation 861850 (VCV000861850.4), dbSNP rs1779063274, ClinGen allele CA365386184.
Genomic context (GRCh38, chr6:116,120,095, plus strand): 5'-TTTTTCTAGCACAAGATTTAGATTAGCTCTGTGTGTACTCACATTGGAGCCACTAGGAAT[C>T]CTGAGAAAGAGGAGTGGACATACTCAGAGGAGTATAGGCCATTTGACTCGGCATTGGGAA-3'
Protein context (NP_000484.2, residues 664-680): SSEYVHSSFS[Gly674Glu]FLVAPM

ClinVar aggregate classification (germline): Uncertain significance. Review status: criteria provided, single submitter (1 of 4 stars). 2 submissions from 2 submitters: Uncertain significance (1). 1 of the submissions does not count toward it. Last evaluated 2025-03-17.

Conditions:
COL10A1-related disorder. Also called: COL10A1-related condition.

Submissions (2):

Labcorp Genetics (formerly Invitae), Labcorp
Classification: Uncertain significance. Last evaluated: 2025-03-17. Review status: criteria provided, single submitter. Criteria: Invitae Variant Classification Sherloc (09022015). Collection method: clinical testing. Allele origin: germline.
Comment: This sequence change replaces glycine, which is neutral and non-polar, with glutamic acid, which is acidic and polar, at codon 674 of the COL10A1 protein (p.Gly674Glu). This variant is not present in population databases (gnomAD no frequency). This missense change has been observed in individual(s) with clinical features of COL10A1-related conditions (internal data). ClinVar contains an entry for this variant (Variation ID: 861850). Invitae Evidence Modeling of protein sequence and biophysical properties (such as structural, functional, and spatial information, amino acid conservation, physicochemical variation, residue mobility, and thermodynamic stability) has been performed for this missense variant. However, the output from this modeling did not meet the statistical confidence thresholds required to predict the impact of this variant on COL10A1 protein function. This variant disrupts the p.Gly674 amino acid residue in COL10A1. Other variant(s) that disrupt this residue have been observed in individuals with COL10A1-related conditions (PMID: 31921940), which suggests that this may be a clinically significant amino acid residue. In summary, the available evidence is currently insufficient to determine the role of this variant in disease. Therefore, it has been classified as a Variant of Uncertain Significance.

PreventionGenetics, part of Exact Sciences
Classification: Uncertain significance for COL10A1-related condition. Last evaluated: 2024-03-29. Review status: no assertion criteria provided. Collection method: clinical testing. Allele origin: germline. Not counted in ClinVar's aggregate classification.
Comment: The COL10A1 c.2021G>A variant is predicted to result in the amino acid substitution p.Gly674Glu. To our knowledge, this variant has not been reported in the literature or in a large population database, indicating this variant is rare. Another variant affecting the same amino acid has been reported in individuals from the same family with metaphyseal chondrodysplasia (p.Gly674Arg; Chen et al. 2020. PubMed ID: 31921940). Although we suspect that this variant may be pathogenic, at this time, the clinical significance of this variant is uncertain due to the absence of conclusive functional and genetic evidence.

Literature cited by the submitters: PubMed 31921940 (cited by Labcorp Genetics (formerly Invitae), Labcorp).